The following is an entry in ClinVar:

ClinVar aggregate classification (germline): Uncertain significance. Review status: criteria provided, multiple submitters, no conflicts (2 of 4 stars). 2 submissions from 2 submitters: Uncertain significance (2). Last evaluated 2022-12-01.

Allele frequency attached by ClinVar (database versions not stated): ExAC 0.00002; gnomAD exomes 0.00002; gnomAD 0.00003 and 0.00004; TOPMed 0.00003.
gnomAD v4.1: 24 of 1,614,020 alleles (0.0015%); highest among the groups gnomAD compares: African/African-American, 0.0027%; no homozygotes.

Submissions (2):

Mayo Clinic Laboratories, Mayo Clinic
Classification: Uncertain significance. Last evaluated: 2022-12-01. Review status: criteria provided, single submitter. Criteria: ACMG Guidelines, 2015. Collection method: clinical testing. Allele origin: germline. Observed: 1 variant allele.
Comment: PM2

GeneDx
Classification: Uncertain significance. Last evaluated: 2017-10-09. Review status: criteria provided, single submitter. Criteria: GeneDx Variant Classification (06012015). Collection method: clinical testing. Allele origin: germline. Affected: yes.
Comment: p.Ala166Thr (GCA>ACA): c.496 G>A in exon 4 of the FBP1 gene (NM_000507.3). The A166T variant has not been published as a mutation, nor has it been reported as a benign polymorphism to our knowledge. The A166T variant is a non-conservative amino acid substitution, which is likely to impact secondary protein structure as these residues differ in polarity, charge, size and/or other properties. This substitution occurs at a position that is conserved across species. A missense mutation in a nearby residue (G164S) has been reported in association with fructose-1,6-bisphosphatase deficiency, supporting the functional importance of this region of the protein. However, in silico analysis is inconsistent in its predictions as to whether or not the variant is damaging to the protein structure/function. Therefore, based on the currently available information, it is unclear whether this variant is a pathogenic mutation or a rare benign variant. The variant is found in MITONUC-MITOP panel(s).

NM_000507.4(FBP1):c.496G>A (p.Ala166Thr)

Gene: FBP1 (fructose-bisphosphatase 1; minus strand). Cytogenetic location: 9q22.32.
Variant type: single nucleotide variant.
Coding change: c.496G>A on transcript NM_000507.4 (MANE Select); coding-DNA position 496, G replaced by A.
Protein change: p.Ala166Thr; replaces alanine 166 with threonine.
Molecular consequence: missense variant.
Genome position (GRCh38, 1-based): chr9:94,609,992, C>T on the plus strand (G>A on the coding strand, the complement: FBP1 is on the minus strand). VCF-style: chr9-94609992-C-T. GRCh37 (hg19) VCF-style: chr9-97372274-C-T.
Other names: p.A166T:GCA>ACA; p.Ala166Thr; c.496G>A, p.Ala166Thr (NM_001127628.2); short protein forms A166T.
Identifiers: ClinVar variation 214366 (VCV000214366.3), dbSNP rs373067464, ClinGen allele CA320038.